The following is an entry in ClinVar:

NM_004204.5(PIGQ):c.1556G>A (p.Arg519Gln)

Gene: PIGQ (phosphatidylinositol glycan anchor biosynthesis class Q; plus strand). Cytogenetic location: 16p13.3.
Variant type: single nucleotide variant.
Coding change: c.1556G>A on transcript NM_004204.5 (MANE Select); coding-DNA position 1556, G replaced by A.
Protein change: p.Arg519Gln; replaces arginine 519 with glutamine.
Molecular consequence: missense variant. On other transcripts: intron variant (1).
Genome position (GRCh38, 1-based): chr16:582,272, G>A. VCF-style: chr16-582272-G-A. GRCh37 (hg19) VCF-style: chr16-632272-G-A.
Other names: c.1532-611G>A (NM_148920.4); short protein forms R519Q.
Identifiers: ClinVar variation 707354 (VCV000707354.12), dbSNP rs138436451, ClinGen allele CA7780438.

ClinVar aggregate classification (germline): Likely benign. Review status: criteria provided, multiple submitters, no conflicts (2 of 4 stars). 3 submissions from 3 submitters: Likely benign (3). Last evaluated 2026-01-19.

Conditions:
PIGQ-related disorder. Also called: PIGQ-related condition.
Epilepsy. Also called: Seizure disorder. Identifiers: MedGen C0014544, MeSH D004827, MONDO:0005027.

Allele frequency attached by ClinVar (database versions not stated): TOPMed 0.00061; 1000 Genomes Project 30x 0.00062; 1000 Genomes Project 0.00080; gnomAD 0.00086; ESP Exome Variant Server 0.00100.
gnomAD v4.1: 187 of 1,606,936 alleles (0.012%); highest among the groups gnomAD compares: African/African-American, 0.2%; no homozygotes.

Submissions (3):

Labcorp Genetics (formerly Invitae), Labcorp
Classification: Likely benign for Epilepsy. Last evaluated: 2026-01-19. Review status: criteria provided, single submitter. Criteria: Invitae Variant Classification Sherloc (09022015). Collection method: clinical testing. Allele origin: germline.

PreventionGenetics, part of Exact Sciences
Classification: Likely benign for PIGQ-related condition. Last evaluated: 2025-03-18. Review status: criteria provided, single submitter. Criteria: ACMG Guidelines, 2015. Collection method: clinical testing. Allele origin: germline.
Comment: This variant is classified as likely benign based on ACMG/AMP sequence variant interpretation guidelines (Richards et al. 2015 PMID: 25741868, with internal and published modifications).

Blueprint Genetics
Classification: Likely benign. Last evaluated: 2024-02-08. Review status: criteria provided, single submitter. Criteria: ACMG Guidelines, 2015. Collection method: clinical testing. Allele origin: germline.